The following is an entry in ClinVar:

NM_000059.4(BRCA2):c.8789A>G (p.Asn2930Ser)

Gene: BRCA2 (BRCA2 DNA repair associated; plus strand). Cytogenetic location: 13q13.1.
Variant type: single nucleotide variant.
Coding change: c.8789A>G on transcript NM_000059.4 (MANE Select); coding-DNA position 8789, A replaced by G.
Protein change: p.Asn2930Ser; replaces asparagine 2930 with serine.
Molecular consequence: missense variant.
Genome position (GRCh38, 1-based): chr13:32,379,351, A>G. VCF-style: chr13-32379351-A-G. GRCh37 (hg19) VCF-style: chr13-32953488-A-G.
Other names: short protein forms N2930S.
Identifiers: ClinVar variation 52679 (VCV000052679.13), dbSNP rs397508008, ClinGen allele CA025826.
Genomic context (GRCh38, chr13:32,379,351, plus strand): 5'-TATTCCAATATCTTAAATGGTCACAGGGTTATTTCAGTGAAGAGCAGTTAAGAGCCTTGA[A>G]TAATCACAGGCAAATGTTGAATGATAAGAAACAAGCTCAGATCCAGTTGGAAATTAGGAA-3'
Protein context (NP_000050.3, residues 2920-2940): YFSEEQLRAL[Asn2930Ser]NHRQMLNDKK

ClinVar aggregate classification (germline): Conflicting classifications of pathogenicity. Review status: criteria provided, conflicting classifications (1 of 4 stars). 5 submissions from 5 submitters: Uncertain significance (2); Benign (1); Likely benign (1). 1 of the submissions does not count toward it. Last evaluated 2025-12-29.

Conditions:
Malignant tumor of breast. Also called: Malignant breast neoplasm; Cancer breast. Identifiers: MedGen C0006142, MONDO:0007254. Disease mechanism: loss of function.
Hereditary cancer-predisposing syndrome. Also called: Neoplastic Syndromes, Hereditary; Tumor predisposition; Hereditary Cancer Syndrome; Hereditary neoplastic syndrome. Identifiers: Orphanet 140162, MedGen C0027672, MeSH D009386, MONDO:0015356.
BRCA2-related disorder. Also called: BRCA2-related condition; BRCA2-related disorders. Identifiers: MedGen CN239275.
Hereditary breast ovarian cancer syndrome. Also called: Hereditary breast and ovarian cancer syndrome; Hereditary breast and ovarian cancer; Hereditary breast and ovarian cancer syndrome (HBOC); Breast and ovarian cancer; Hereditary breast and/or ovarian cancer syndrome; BRCA1- and BRCA2-Associated Hereditary Breast and Ovarian Cancer. Identifiers: Orphanet 145, MedGen C0677776, MeSH D061325, MONDO:0003582. Disease mechanism: loss of function.

gnomAD v4.1: 1 of 1,613,898 alleles (0.000062%); highest among the groups gnomAD compares: Non-Finnish European, 0.000085%; no homozygotes.

Submissions (5):

Center for Genomic Medicine, Rigshospitalet, Copenhagen University Hospital
Classification: Likely benign. Last evaluated: 2025-12-29. Review status: criteria provided, single submitter. Criteria: ACMG Guidelines, 2015. Collection method: clinical testing. Allele origin: germline.
Comment: Classification criteria: PM2_supporting, BP4_supporting, BS3_strong

Ambry Genetics
Classification: Benign for Hereditary cancer-predisposing syndrome. Last evaluated: 2025-05-22. Review status: criteria provided, single submitter. Criteria: Ambry Variant Classification Scheme 2023. Collection method: clinical testing. Allele origin: germline.

Labcorp Genetics (formerly Invitae), Labcorp
Classification: Uncertain significance for Hereditary breast ovarian cancer syndrome. Last evaluated: 2024-06-03. Review status: criteria provided, single submitter. Criteria: Invitae Variant Classification Sherloc (09022015). Collection method: clinical testing. Allele origin: germline.
Comment: This sequence change replaces asparagine, which is neutral and polar, with serine, which is neutral and polar, at codon 2930 of the BRCA2 protein (p.Asn2930Ser). This variant is not present in population databases (gnomAD no frequency). This missense change has been observed in individual(s) with breast cancer (PMID: 21318380). ClinVar contains an entry for this variant (Variation ID: 52679). Advanced modeling of protein sequence and biophysical properties (such as structural, functional, and spatial information, amino acid conservation, physicochemical variation, residue mobility, and thermodynamic stability) performed at Invitae indicates that this missense variant is not expected to disrupt BRCA2 protein function with a negative predictive value of 95%. In summary, the available evidence is currently insufficient to determine the role of this variant in disease. Therefore, it has been classified as a Variant of Uncertain Significance.

PreventionGenetics, part of Exact Sciences
Classification: Uncertain significance for BRCA2-related condition. Last evaluated: 2023-08-25. Review status: criteria provided, single submitter. Criteria: ACMG Guidelines, 2015. Collection method: clinical testing. Allele origin: germline.
Comment: The BRCA2 c.8789A>G variant is predicted to result in the amino acid substitution p.Asn2930Ser. This variant has been reported in an individual with breast cancer (Table 2, Hansen et al. 2011. PubMed ID: 21318380). This variant has not been reported in a large population database, indicating this variant is rare. It is interpreted as uncertain significnace in ClinVar. At this time, the clinical significance of this variant is uncertain due to the absence of conclusive functional and genetic evidence.

Department of Pathology and Laboratory Medicine, Sinai Health System
Classification: Uncertain significance for Malignant tumor of breast. Review status: no assertion criteria provided. Collection method: clinical testing. Allele origin: unknown. Affected: yes. Study: The Canadian Open Genetics Repository (COGR). Not counted in ClinVar's aggregate classification.
Comment: The BRCA2 p.Asn2930Ser variant was identified in 1 of 1331 proband chromosomes (frequency: 0.0001) from individuals or families from East Denmark with Ovarian and Breast cancers and was not identified in 198 control chromosomes from healthy individuals (Hansen 2011). The variant is listed in the dbSNP database (rs397508008) but no frequency information was provided, thus the prevalence of this variant in the general population could not be determined. The p.Asn2930Ser variant was also identified in Clinvar database from one submitter, Invitae, who provided no classification The p.Asn2930Ser variant was not identified in NHLBI Exome Sequencing Project (Exome Variant Server), Exome Aggregation Consortium (ExAC) database (released Oct 20th, 2014), Fanconi Anaemia LOVD, COSMIC, Clinvitae, GeneInsight VariantWire through the Canadian Open Genetics Repository, BIC, ARUP Laboratories, MutDB or BRCA Share UMD databases. The p.Asn2930 residue is conserved in mammals and lower organisms and computational analyses (PolyPhen-2, SIFT, AlignGVGD, BLOSUM, MutationTaster) provide inconsistent predictions regarding the impact to the protein. It was noted that the PolyPhen prediction is inconsistent given the strong conservation in mammals and lower organisms; this information is not very predictive of pathogenicity. The variant occurs outside of the splicing consensus sequence and 1 of 5 in silico or computational prediction software programs (SpliceSiteFinder, MaxEntScan, NNSPLICE, GeneSplicer, HumanSpliceFinder) predict a greater than 10% chance that the variant creates a cryptic 3â€šÃ„Ã´ acceptor site; this is not very predictive of pathogenicity. Additionally, the variant was classified as a VUS in the East Denmark study, but in silico analysis (AGVGD) suggested the variant might be pathogenic (Hansen 2011). In summary, based on the above information, the clinical significance of this variant cannot be determined with certainty at this time. This variant is classified as a variant of uncertain significance.

Literature cited by the submitters: PubMed 21318380 (cited by Ambry Genetics and Labcorp Genetics (formerly Invitae), Labcorp).